The following is an entry in ClinVar:

ClinVar aggregate classification (germline): Uncertain significance (1 of 4 stars; one submission).

Conditions:
Familial acute necrotizing encephalopathy (IIAE3). Also called: ENCEPHALOPATHY, ACUTE, INFECTION-INDUCED, SUSCEPTIBILITY TO, 3; Susceptibility to Acute Necrotizing Encephalopathy 1. Identifiers: Orphanet 88619, MedGen C2675556, MONDO:0011953, OMIM 608033.

gnomAD v4.1: 13 of 1,613,932 alleles (0.00081%); highest among the groups gnomAD compares: African/African-American, 0.0067%; no homozygotes.

Submission:

Labcorp Genetics (formerly Invitae), Labcorp
Classification: Uncertain significance for Familial acute necrotizing encephalopathy. Last evaluated: 2019-12-08. Review status: criteria provided, single submitter. Criteria: Invitae Variant Classification Sherloc (09022015). Collection method: clinical testing. Allele origin: germline.
Comment: In summary, the available evidence is currently insufficient to determine the role of this variant in disease. Therefore, it has been classified as a Variant of Uncertain Significance. Algorithms developed to predict the effect of missense changes on protein structure and function are either unavailable or do not agree on the potential impact of this missense change (SIFT: "Deleterious"; PolyPhen-2: "Benign"; Align-GVGD: "Class C0"). This variant has not been reported in the literature in individuals with RANBP2-related conditions. This variant is not present in population databases (ExAC no frequency). This sequence change replaces methionine with leucine at codon 933 of the RANBP2 protein (p.Met933Leu). The methionine residue is highly conserved and there is a small physicochemical difference between methionine and leucine.

NM_006267.5(RANBP2):c.2797A>T (p.Met933Leu)

Gene: RANBP2 (RAN binding protein 2; plus strand). Cytogenetic location: 2q13.
Variant type: single nucleotide variant.
Coding change: c.2797A>T on transcript NM_006267.5 (MANE Select); coding-DNA position 2797, A replaced by T.
Protein change: p.Met933Leu; replaces methionine 933 with leucine.
Molecular consequence: missense variant.
Genome position (GRCh38, 1-based): chr2:108,763,336, A>T. VCF-style: chr2-108763336-A-T. GRCh37 (hg19) VCF-style: chr2-109379792-A-T.
Other names: short protein forms M933L.
Identifiers: ClinVar variation 860612 (VCV000860612.10), dbSNP rs112109734, ClinGen allele CA53452714.